The following is an entry in ClinVar:

ClinVar aggregate classification (germline): Uncertain significance (1 of 4 stars; one submission).

Submission:

Labcorp Genetics (formerly Invitae), Labcorp
Classification: Uncertain significance. Last evaluated: 2023-08-10. Review status: criteria provided, single submitter. Criteria: Invitae Variant Classification Sherloc (09022015). Collection method: clinical testing. Allele origin: germline.
Comment: This sequence change replaces aspartic acid, which is acidic and polar, with glycine, which is neutral and non-polar, at codon 728 of the EMC1 protein (p.Asp728Gly). This variant is not present in population databases (gnomAD no frequency). This variant has not been reported in the literature in individuals affected with EMC1-related conditions. ClinVar contains an entry for this variant (Variation ID: 1365304). Advanced modeling of protein sequence and biophysical properties (such as structural, functional, and spatial information, amino acid conservation, physicochemical variation, residue mobility, and thermodynamic stability) performed at Invitae indicates that this missense variant is expected to disrupt EMC1 protein function. In summary, the available evidence is currently insufficient to determine the role of this variant in disease. Therefore, it has been classified as a Variant of Uncertain Significance.

NM_015047.3(EMC1):c.2183A>G (p.Asp728Gly)

Genes: EMC1 (ER membrane protein complex subunit 1; minus strand), EMC1-AS1 (EMC1 antisense RNA 1; plus strand). Cytogenetic location: 1p36.13.
Variant type: single nucleotide variant.
Coding change: c.2183A>G on transcript NM_015047.3 (MANE Select); coding-DNA position 2183, A replaced by G.
Protein change: p.Asp728Gly; replaces aspartic acid 728 with glycine.
Molecular consequence: missense variant.
Genome position (GRCh38, 1-based): chr1:19,227,332, T>C on the plus strand (A>G on the coding strand, the complement: EMC1 is on the minus strand). VCF-style: chr1-19227332-T-C. GRCh37 (hg19) VCF-style: chr1-19553826-T-C.
Other names: c.2180A>G, p.Asp727Gly (NM_001271427.2, NM_001271428.2); c.2117A>G, p.Asp706Gly (NM_001271429.2); c.2192A>G, p.Asp731Gly (NM_001375820.1); c.2189A>G, p.Asp730Gly (NM_001375821.1); short protein forms D731G, D706G, D730G, D727G, D728G.
Identifiers: ClinVar variation 1365304 (VCV001365304.8), dbSNP rs2151943741, ClinGen allele CA338756386.